The following is an entry in ClinVar:

ClinVar aggregate classification (germline): Uncertain significance (1 of 4 stars; one submission).

Conditions:
Hereditary cancer-predisposing syndrome. Also called: Tumor predisposition; Hereditary neoplastic syndrome; Neoplastic Syndromes, Hereditary; Hereditary Cancer Syndrome. Identifiers: Orphanet 140162, MedGen C0027672, MeSH D009386, MONDO:0015356.

Submission:

Ambry Genetics
Classification: Uncertain significance for Hereditary cancer-predisposing syndrome. Last evaluated: 2025-06-14. Review status: criteria provided, single submitter. Criteria: Ambry Variant Classification Scheme 2023. Collection method: clinical testing. Allele origin: germline.
Comment: The p.K100T variant (also known as c.299A>C), located in coding exon 1 of the CDKN1B gene, results from an A to C substitution at nucleotide position 299. The lysine at codon 100 is replaced by threonine, an amino acid with similar properties. This amino acid position is conserved. In addition, this alteration is predicted to be tolerated by in silico analysis. Based on the available evidence, the clinical significance of this variant remains unclear.

NM_004064.5(CDKN1B):c.299A>C (p.Lys100Thr)

Gene: CDKN1B (cyclin dependent kinase inhibitor 1B; plus strand). Cytogenetic location: 12p13.1.
Variant type: single nucleotide variant.
Coding change: c.299A>C on transcript NM_004064.5 (MANE Select); coding-DNA position 299, A replaced by C.
Protein change: p.Lys100Thr; replaces lysine 100 with threonine.
Molecular consequence: missense variant.
Genome position (GRCh38, 1-based): chr12:12,718,138, A>C. VCF-style: chr12-12718138-A-C. GRCh37 (hg19) VCF-style: chr12-12871072-A-C.
Other names: short protein forms K100T.
Identifiers: ClinVar variation 3999758 (VCV003999758.1).